The following is an entry in ClinVar:

ClinVar aggregate classification (germline): Likely benign (1 of 4 stars; one submission).

Allele frequency attached by ClinVar (database versions not stated): gnomAD exomes below 0.00001; ExAC 0.00001.

Submission:

CeGaT Center for Human Genetics Tuebingen
Classification: Likely benign. Last evaluated: 2022-10-01. Review status: criteria provided, single submitter. Criteria: CeGaT Center For Human Genetics Tuebingen Variant Classification Criteria Version 2. Collection method: clinical testing. Allele origin: germline. Affected: yes. Observed: 1 variant allele.
Comment: GSTM2: BP4, BP7; GSTM4: BP4, BP7

NM_000848.4(GSTM2):c.654G>A (p.Lys218=)

Genes: GSTM2 (glutathione S-transferase mu 2; plus strand), GSTM4 (glutathione S-transferase mu 4; plus strand). Cytogenetic location: 1p13.3.
Variant type: single nucleotide variant.
Coding change: c.654G>A on transcript NM_000848.4 (MANE Select); coding-DNA position 654, G replaced by A.
Protein change: p.Lys218=; no amino-acid change (lysine 218 retained).
Molecular consequence: synonymous variant. On other transcripts: intron variant (1).
Genome position (GRCh38, 1-based): chr1:109,674,833, G>A. VCF-style: chr1-109674833-G-A. GRCh37 (hg19) VCF-style: chr1-110217455-G-A.
Other names: c.567+3250G>A (NM_001142368.2).
Identifiers: ClinVar variation 2638984 (VCV002638984.24), dbSNP rs776585279, ClinGen allele CA994139.